The following is an entry in ClinVar:

NM_000081.4(LYST):c.2480T>A (p.Leu827Gln)

Gene: LYST (lysosomal trafficking regulator; minus strand). Cytogenetic location: 1q42.3.
Variant type: single nucleotide variant.
Coding change: c.2480T>A on transcript NM_000081.4 (MANE Select); coding-DNA position 2480, T replaced by A.
Protein change: p.Leu827Gln; replaces leucine 827 with glutamine.
Molecular consequence: missense variant.
Genome position (GRCh38, 1-based): chr1:235,806,656, A>T on the plus strand (T>A on the coding strand, the complement: LYST is on the minus strand). VCF-style: chr1-235806656-A-T. GRCh37 (hg19) VCF-style: chr1-235969956-A-T.
Other names: c.2480T>A, p.Leu827Gln (NM_001301365.1); c.2480T>A (NM_000081.2); short protein forms L827Q.
Identifiers: ClinVar variation 579001 (VCV000579001.9), dbSNP rs187257944, ClinGen allele CA1467268.

ClinVar aggregate classification (germline): Uncertain significance. Review status: criteria provided, multiple submitters, no conflicts (2 of 4 stars). 4 submissions from 4 submitters: Uncertain significance (4). Last evaluated 2025-07-08.

Conditions:
Inborn genetic diseases. Identifiers: MedGen C0950123, MeSH D030342.
Chédiak-Higashi syndrome (CHS). Also called: Chediak-Higashi Syndrome. Identifiers: Orphanet 167, MedGen C0007965, MONDO:0008963, OMIM 214500.

Allele frequency attached by ClinVar (database versions not stated): ExAC 0.00007; TOPMed 0.00007; gnomAD 0.00011; 1000 Genomes Project 30x 0.00016; 1000 Genomes Project 0.00020.
gnomAD v4.1: 202 of 1,613,916 alleles (0.013%); highest among the groups gnomAD compares: Non-Finnish European, 0.016%; no homozygotes.

Submissions (4):

Ambry Genetics
Classification: Uncertain significance for Inborn genetic diseases. Last evaluated: 2025-07-08. Review status: criteria provided, single submitter. Criteria: Ambry Variant Classification Scheme 2023. Collection method: clinical testing. Allele origin: germline.

Women's Health and Genetics/Laboratory Corporation of America, LabCorp
Classification: Uncertain significance. Last evaluated: 2024-03-07. Review status: criteria provided, single submitter. Criteria: LabCorp Variant Classification Summary - May 2015. Collection method: clinical testing. Allele origin: germline.
Comment: Variant summary: LYST c.2480T>A (p.Leu827Gln) results in a non-conservative amino acid change in the encoded protein sequence. Four of five in-silico tools predict a damaging effect of the variant on protein function. The variant allele was found at a frequency of 6e-05 in 251236 control chromosomes. This frequency is not significantly higher than estimated for a pathogenic variant in LYST causing Chediak-Higashi Syndrome (6e-05 vs 0.0011), allowing no conclusion about variant significance. To our knowledge, no occurrence of c.2480T>A in individuals affected with Chediak-Higashi Syndrome and no experimental evidence demonstrating its impact on protein function have been reported. ClinVar contains an entry for this variant (Variation ID: 579001). Based on the evidence outlined above, the variant was classified as uncertain significance.

Labcorp Genetics (formerly Invitae), Labcorp
Classification: Uncertain significance for Chédiak-Higashi syndrome. Last evaluated: 2022-07-19. Review status: criteria provided, single submitter. Criteria: Invitae Variant Classification Sherloc (09022015). Collection method: clinical testing. Allele origin: germline.
Comment: This sequence change replaces leucine, which is neutral and non-polar, with glutamine, which is neutral and polar, at codon 827 of the LYST protein (p.Leu827Gln). This variant is present in population databases (rs187257944, gnomAD 0.01%). This variant has not been reported in the literature in individuals affected with LYST-related conditions. ClinVar contains an entry for this variant (Variation ID: 579001). Algorithms developed to predict the effect of missense changes on protein structure and function are either unavailable or do not agree on the potential impact of this missense change (SIFT: "Tolerated"; PolyPhen-2: "Probably Damaging"; Align-GVGD: "Class C0"). In summary, the available evidence is currently insufficient to determine the role of this variant in disease. Therefore, it has been classified as a Variant of Uncertain Significance.

Fulgent Genetics
Classification: Uncertain significance for Chédiak-Higashi syndrome. Last evaluated: 2021-09-17. Review status: criteria provided, single submitter. Criteria: ACMG Guidelines, 2015. Collection method: clinical testing. Allele origin: unknown.

Literature cited by the submitters: PubMed 26684649 (cited by Women's Health and Genetics/Laboratory Corporation of America, LabCorp).